The following is an entry in ClinVar:

NM_173354.5(SIK1):c.1097G>A (p.Ser366Asn)

Gene: SIK1 (salt inducible kinase 1; minus strand). Cytogenetic location: 21q22.3.
Variant type: single nucleotide variant.
Coding change: c.1097G>A on transcript NM_173354.5 (MANE Select); coding-DNA position 1097, G replaced by A.
Protein change: p.Ser366Asn; replaces serine 366 with asparagine.
Molecular consequence: missense variant.
Genome position (GRCh38, 1-based): chr21:43,419,881, C>T on the plus strand (G>A on the coding strand, the complement: SIK1 is on the minus strand). VCF-style: chr21-43419881-C-T. GRCh37 (hg19) VCF-style: chr21-44839761-C-T.
Other names: short protein forms S366N.
Identifiers: ClinVar variation 2119310 (VCV002119310.4), dbSNP rs2081049299, ClinGen allele CA410608748.

ClinVar aggregate classification (germline): Uncertain significance (1 of 4 stars; one submission).

Conditions:
Developmental and epileptic encephalopathy, 30 (DEE30). Also called: Epileptic encephalopathy, early infantile, 30. Identifiers: MedGen C4225360, MONDO:0014595, OMIM 616341.

Submission:

Labcorp Genetics (formerly Invitae), Labcorp
Classification: Uncertain significance for Developmental and epileptic encephalopathy, 30. Last evaluated: 2024-10-16. Review status: criteria provided, single submitter. Criteria: Invitae Variant Classification Sherloc (09022015). Collection method: clinical testing. Allele origin: germline.
Comment: This sequence change replaces serine, which is neutral and polar, with asparagine, which is neutral and polar, at codon 366 of the SIK1 protein (p.Ser366Asn). This variant is not present in population databases (gnomAD no frequency). This variant has not been reported in the literature in individuals affected with SIK1-related conditions. ClinVar contains an entry for this variant (Variation ID: 2119310). Invitae Evidence Modeling of protein sequence and biophysical properties (such as structural, functional, and spatial information, amino acid conservation, physicochemical variation, residue mobility, and thermodynamic stability) indicates that this missense variant is not expected to disrupt SIK1 protein function with a negative predictive value of 95%. In summary, the available evidence is currently insufficient to determine the role of this variant in disease. Therefore, it has been classified as a Variant of Uncertain Significance.